The following is an entry in ClinVar:

NM_006031.6(PCNT):c.4193C>T (p.Thr1398Met)

Gene: PCNT (pericentrin; plus strand). Cytogenetic location: 21q22.3.
Variant type: single nucleotide variant.
Coding change: c.4193C>T on transcript NM_006031.6 (MANE Select); coding-DNA position 4193, C replaced by T.
Protein change: p.Thr1398Met; replaces threonine 1398 with methionine.
Molecular consequence: missense variant.
Genome position (GRCh38, 1-based): chr21:46,391,353, C>T. VCF-style: chr21-46391353-C-T. GRCh37 (hg19) VCF-style: chr21-47811268-C-T.
Other names: c.3839C>T, p.Thr1280Met (NM_001315529.2); c.4193C>T (NM_006031.5); short protein forms T1280M, T1398M.
Identifiers: ClinVar variation 1049431 (VCV001049431.3), dbSNP rs369257031, ClinGen allele CA10079559.
Genomic context (GRCh38, chr21:46,391,353, plus strand): 5'-AGCAGGCGGCGCTGAGGGAGGAGTGCACCCGTCTGTGGAGTCGGGGGGAGGCCACAGCCA[C>T]GGACGCCGAGGCCAGAGAAGCTGGTAAGGAGCGCGGGCTGTGGAGGGTGGTGCGAGCTGT-3'
Protein context (NP_006022.3, residues 1388-1408): RLWSRGEATA[Thr1398Met]DAEAREAALR

ClinVar aggregate classification (germline): Uncertain significance. Review status: no assertion criteria provided (0 of 4 stars). 2 submissions from 2 submitters: Uncertain significance (2). Last evaluated 2024-05-08.

Conditions:
PCNT-related disorder. Also called: PCNT-related condition.

Allele frequency attached by ClinVar (database versions not stated): ExAC 0.00005; gnomAD exomes 0.00007 and 0.00014; TOPMed 0.00007; ESP Exome Variant Server 0.00024.
gnomAD v4.1: 213 of 1,551,948 alleles (0.014%); highest among the groups gnomAD compares: Non-Finnish European, 0.017%; no homozygotes.

Submissions (2):

PreventionGenetics, part of Exact Sciences
Classification: Uncertain significance for PCNT-related condition. Last evaluated: 2024-05-08. Review status: no assertion criteria provided. Collection method: clinical testing. Allele origin: germline.
Comment: The PCNT c.4193C>T variant is predicted to result in the amino acid substitution p.Thr1398Met. To our knowledge, this variant has not been reported in the literature. This variant is reported in 0.021% of alleles in individuals of European (Non-Finnish) descent in gnomAD. At this time, the clinical significance of this variant is uncertain due to the absence of conclusive functional and genetic evidence.

Department of Pathology and Laboratory Medicine, Sinai Health System
Classification: Uncertain significance. Review status: no assertion criteria provided. Collection method: clinical testing. Allele origin: unknown. Affected: yes. Study: The Canadian Open Genetics Repository (COGR).
Comment: The PCNT p.Thr1398Met variant was not identified in the literature nor was it identified in ClinVar or LOVD 3.0. The variant was identified in dbSNP (ID: rs369257031) and in control databases in 16 of 184750 chromosomes at a frequency of 0.0000866 (Genome Aggregation Database March 6, 2019, v2.1.1). The variant was observed in the following populations: European (non-Finnish) in 15 of 73088 chromosomes (freq: 0.000205) and European (Finnish) in 1 of 18934 chromosomes (freq: 0.000053), but was not observed in the African, Latino, Ashkenazi Jewish, East Asian, Other, or South Asian populations. The p.Thr1398 residue is not conserved in mammals and computational analyses (PolyPhen-2, SIFT, AlignGVGD, BLOSUM, MutationTaster) provide inconsistent predictions regarding the impact to the protein; this information is not very predictive of pathogenicity. The variant occurs outside of the splicing consensus sequence and in silico or computational prediction software programs (SpliceSiteFinder, MaxEntScan, NNSPLICE, GeneSplicer) do not predict a difference in splicing. In summary, based on the above information the clinical significance of this variant cannot be determined with certainty at this time. This variant is classified as a variant of uncertain significance.